The following is an entry in ClinVar:

ClinVar aggregate classification (germline): Uncertain significance (1 of 4 stars; one submission).

Submission:

GeneDx
Classification: Uncertain significance. Last evaluated: 2023-02-01. Review status: criteria provided, single submitter. Criteria: GeneDx Variant Classification Process June 2021. Collection method: clinical testing. Allele origin: germline.
Comment: Not observed at significant frequency in large population cohorts (gnomAD); In silico analysis supports that this missense variant has a deleterious effect on protein structure/function; Has not been previously published as pathogenic or benign to our knowledge

NM_002317.7(LOX):c.1186G>A (p.Val396Met)

Genes: LOX (lysyl oxidase; minus strand), SRFBP1 (serum response factor binding protein 1; plus strand). Cytogenetic location: 5q23.1.
Variant type: single nucleotide variant.
Coding change: c.1186G>A on transcript NM_002317.7 (MANE Select); coding-DNA position 1186, G replaced by A.
Protein change: p.Val396Met; replaces valine 396 with methionine.
Molecular consequence: missense variant.
Genome position (GRCh38, 1-based): chr5:122,070,114, C>T on the plus strand (G>A on the coding strand, the complement: LOX is on the minus strand). VCF-style: chr5-122070114-C-T. GRCh37 (hg19) VCF-style: chr5-121405809-C-T.
Other names: c.496G>A, p.Val166Met (NM_001178102.2); c.295G>A, p.Val99Met (NM_001317073.1); short protein forms V166M, V396M, V99M.
Identifiers: ClinVar variation 1801043 (VCV001801043.2), dbSNP rs2532900983, ClinGen allele CA360880245.
Genomic context (GRCh38, chr5:122,070,114, plus strand): 5'-GTGAAATTGTGCAGCCTGAGGCATACGCATGATGTCCTGTGTAGCGAATGTCACAGCGCA[C>T]AACATTGTTGGTATAGTCAGATTCAGGAACCAGGTAGCTGGGGTTTACACTGACCTGGGC-3'
Protein context (NP_002308.2, residues 386-406): VPESDYTNNV[Val396Met]RCDIRYTGHH